The following is an entry in ClinVar:

ClinVar aggregate classification (germline): Conflicting classifications of pathogenicity. Review status: criteria provided, conflicting classifications (1 of 4 stars). 3 submissions from 3 submitters: Uncertain significance (1); Likely benign (2). Last evaluated 2026-09-21.

Conditions:
Cardiovascular phenotype. Identifiers: MedGen CN230736.

Allele frequency attached by ClinVar (database versions not stated): gnomAD 0.00001; gnomAD exomes 0.00001; TOPMed 0.00002.
gnomAD v4.1: 6 of 1,603,560 alleles (0.00037%); highest among the groups gnomAD compares: Non-Finnish European, 0.00051%; no homozygotes.

Submissions (3):

Molecular Diagnostic Laboratory for Inherited Cardiovascular Disease, Montreal Heart Institute
Classification: Likely benign. Last evaluated: 2026-09-21. Review status: criteria provided, single submitter. Criteria: ACMG Guidelines, 2015. Collection method: clinical testing. Allele origin: germline. Affected: no.
Comment: BP1

GeneDx
Classification: Uncertain significance. Last evaluated: 2024-06-07. Review status: criteria provided, single submitter. Criteria: GeneDx Variant Classification Process June 2021. Collection method: clinical testing. Allele origin: germline. Affected: yes.
Comment: Not observed at significant frequency in large population cohorts (gnomAD); Missense variant in a gene in which most reported pathogenic variants are truncating/loss of function; Has not been previously published as pathogenic or benign to our knowledge; This variant is associated with the following publications: (PMID: 23975875)

Ambry Genetics
Classification: Likely benign for Cardiovascular phenotype. Last evaluated: 2020-09-15. Review status: criteria provided, single submitter. Criteria: Ambry Variant Classification Scheme 2023. Collection method: clinical testing. Allele origin: germline.

NM_001267550.2(TTN):c.44488G>A (p.Ala14830Thr)

Gene: TTN (titin; minus strand). Cytogenetic location: 2q31.2.
Variant type: single nucleotide variant.
Coding change: c.44488G>A on transcript NM_001267550.2 (MANE Select); coding-DNA position 44488, G replaced by A.
Protein change: p.Ala14830Thr; replaces alanine 14830 with threonine.
Molecular consequence: missense variant.
Genome position (GRCh38, 1-based): chr2:178,625,333, C>T on the plus strand (G>A on the coding strand, the complement: TTN is on the minus strand). VCF-style: chr2-178625333-C-T. GRCh37 (hg19) VCF-style: chr2-179490060-C-T.
Other names: c.39565G>A, p.Ala13189Thr (NM_001256850.1); c.17293G>A, p.Ala5765Thr (NM_003319.4); c.36784G>A, p.Ala12262Thr (NM_133378.4); c.17668G>A, p.Ala5890Thr (NM_133432.3); c.17869G>A, p.Ala5957Thr (NM_133437.4); short protein forms A12262T, A5890T, A14830T, A5765T, A13189T, A5957T.
Identifiers: ClinVar variation 1778917 (VCV001778917.4), dbSNP rs1355448697, ClinGen allele CA349641582.